The following is an entry in ClinVar:

ClinVar aggregate classification (germline): Likely benign. Review status: criteria provided, multiple submitters, no conflicts (2 of 4 stars). 3 submissions from 3 submitters: Likely benign (3). Last evaluated 2025-11-02.

Conditions:
Developmental and epileptic encephalopathy 94 (DEE94). Also called: Epileptic encephalopathy, childhood-onset; CHD2-Related Neurodevelopmental Disorders. Identifiers: Orphanet 1942, Orphanet 2382, MedGen C3809278, MONDO:0014150, OMIM 615369.
CHD2-related disorder. Also called: CHD2-related condition.

Submissions (3):

Labcorp Genetics (formerly Invitae), Labcorp
Classification: Likely benign for Developmental and epileptic encephalopathy 94. Last evaluated: 2025-11-02. Review status: criteria provided, single submitter. Criteria: Invitae Variant Classification Sherloc (09022015). Collection method: clinical testing. Allele origin: germline.

PreventionGenetics, part of Exact Sciences
Classification: Likely benign for CHD2-related condition. Last evaluated: 2024-10-11. Review status: criteria provided, single submitter. Criteria: ACMG Guidelines, 2015. Collection method: clinical testing. Allele origin: germline.
Comment: This variant is classified as likely benign based on ACMG/AMP sequence variant interpretation guidelines (Richards et al. 2015 PMID: 25741868, with internal and published modifications).

Blueprint Genetics
Classification: Likely benign. Last evaluated: 2021-03-25. Review status: criteria provided, single submitter. Criteria: ACMG Guidelines, 2015. Collection method: clinical testing. Allele origin: germline.

NM_001271.4(CHD2):c.63-22TC[5]

Gene: CHD2 (chromodomain helicase DNA binding protein 2; plus strand). Cytogenetic location: 15q26.1.
Variant type: Microsatellite.
Coding change: c.63-22TC[5] on transcript NM_001271.4 (MANE Select); five copies in a row of the 2-base unit TC starting at c.63-22; the reference has seven copies in a row; two copies, 4 bases deleted.
Molecular consequence: intron variant.
Genome position (GRCh38, 1-based): chr15:92,924,309-92,924,312, TCTC deleted; deleting any 4 consecutive bases within chr15:92,924,299-92,924,312 gives the same sequence; the position shown is the placement nearest the transcript's 3' end. VCF-style (leftmost placement, unchanged base first): chr15-92924298-ATCTC-A. GRCh37 (hg19) VCF-style: chr15-93467528-ATCTC-A.
Other names: c.63-22TC[5] (NM_001042572.3); c.63-12_63-9delTCTC (NM_001271.3).
Identifiers: ClinVar variation 1418881 (VCV001418881.8), dbSNP rs749583665, ClinGen allele CA7747435.